The following is an entry in ClinVar:

ClinVar aggregate classification (germline): Pathogenic (1 of 4 stars; one submission).

Conditions:
Neuronal ceroid lipofuscinosis. Also called: Neuronal Ceroid Lipofuscinoses. Identifiers: Orphanet 216, Orphanet 79263, MedGen C0027877, MONDO:0016295. Disease mechanism: loss of function.

Submission:

Labcorp Genetics (formerly Invitae), Labcorp
Classification: Pathogenic for Neuronal ceroid lipofuscinosis. Last evaluated: 2023-03-08. Review status: criteria provided, single submitter. Criteria: Invitae Variant Classification Sherloc (09022015). Collection method: clinical testing. Allele origin: germline.
Comment: For these reasons, this variant has been classified as Pathogenic. This sequence change creates a premature translational stop signal (p.Glu186Serfs*11) in the CLN8 gene. While this is not anticipated to result in nonsense mediated decay, it is expected to disrupt the last 101 amino acid(s) of the CLN8 protein. This variant is not present in population databases (gnomAD no frequency). This variant has not been reported in the literature in individuals affected with CLN8-related conditions. This variant disrupts a region of the CLN8 protein in which other variant(s) (p.Trp263Cys) have been determined to be pathogenic (PMID: 15024724). This suggests that this is a clinically significant region of the protein, and that variants that disrupt it are likely to be disease-causing.

Literature cited by the submitters: PubMed 15024724.

NM_018941.4(CLN8):c.555del (p.Glu186fs)

Gene: CLN8 (CLN8 transmembrane ER and ERGIC protein; plus strand). Cytogenetic location: 8p23.3.
Variant type: Deletion.
Coding change: c.555del on transcript NM_018941.4 (MANE Select); coding-DNA position 555, one base deleted (C; older notation c.555delC).
Protein change: p.Glu186fs; shifts the reading frame from glutamic acid 186.
Molecular consequence: frameshift variant.
Genome position (GRCh38, 1-based): chr8:1,780,261, C deleted; the last of 2 consecutive C bases (chr8:1,780,260-1,780,261); deleting either gives the same sequence. VCF-style (leftmost placement, unchanged base first): chr8-1780259-TC-T. GRCh37 (hg19) VCF-style: chr8-1728425-TC-T.
Other names: short protein forms E186fs.
Identifiers: ClinVar variation 2843657 (VCV002843657.3), dbSNP rs2486488320, ClinGen allele CA2739279695.
Genomic context (GRCh38, chr8:1,780,259, plus strand): 5'-GAATTTTGGCAGTTTCGCATTGACTTGTGCATTTGTCTTCTCTCCATGCAGGCGGGCTGG[TC>T]CGAGTCTCTGTTTTGGAAGCTCAACCAGTGGCTGATGATTCACATGTTTCACTGCCGCAT-3'